The following is an entry in ClinVar:

ClinVar aggregate classification (germline): Conflicting classifications of pathogenicity. Review status: criteria provided, conflicting classifications (1 of 4 stars). 5 submissions from 5 submitters: Uncertain significance (1); Likely benign (4). Last evaluated 2024-11-21.

Allele frequency attached by ClinVar (database versions not stated): gnomAD exomes 0.00020 and 0.00053; ExAC 0.00061; ESP Exome Variant Server 0.00177; gnomAD 0.00192 and 0.00207; TOPMed 0.00222; 1000 Genomes Project 0.00319; 1000 Genomes Project 30x 0.00328.
gnomAD v4.1: 612 of 1,609,590 alleles (0.038%); highest among the groups gnomAD compares: African/African-American, 0.67%; 2 homozygotes.

Submissions (5):

Labcorp Genetics (formerly Invitae), Labcorp
Classification: Likely benign. Last evaluated: 2024-11-21. Review status: criteria provided, single submitter. Criteria: Invitae Variant Classification Sherloc (09022015). Collection method: clinical testing. Allele origin: germline.

Blueprint Genetics
Classification: Likely benign. Last evaluated: 2024-09-09. Review status: criteria provided, single submitter. Criteria: ACMG Guidelines, 2015. Collection method: clinical testing. Allele origin: germline.

CeGaT Center for Human Genetics Tuebingen
Classification: Likely benign. Last evaluated: 2022-09-01. Review status: criteria provided, single submitter. Criteria: CeGaT Center For Human Genetics Tuebingen Variant Classification Criteria Version 2. Collection method: clinical testing. Allele origin: germline. Affected: yes. Observed: 1 variant allele.
Comment: CENPF: BP4

GeneDx
Classification: Likely benign. Last evaluated: 2021-03-16. Review status: criteria provided, single submitter. Criteria: GeneDx Variant Classification Process June 2021. Collection method: clinical testing. Allele origin: germline. Affected: yes.

Genetic Services Laboratory, University of Chicago
Classification: Uncertain significance. Last evaluated: 2018-07-14. Review status: criteria provided, single submitter. Criteria: ACMG Guidelines, 2015. Collection method: clinical testing. Allele origin: germline. Affected: no.

NM_016343.4(CENPF):c.1055A>G (p.Gln352Arg)

Gene: CENPF (centromere protein F; plus strand). Cytogenetic location: 1q41.
Variant type: single nucleotide variant.
Coding change: c.1055A>G on transcript NM_016343.4 (MANE Select); coding-DNA position 1055, A replaced by G.
Protein change: p.Gln352Arg; replaces glutamine 352 with arginine.
Molecular consequence: missense variant.
Genome position (GRCh38, 1-based): chr1:214,622,268, A>G. VCF-style: chr1-214622268-A-G. GRCh37 (hg19) VCF-style: chr1-214795611-A-G.
Other names: short protein forms Q352R.
Identifiers: ClinVar variation 728762 (VCV000728762.40), dbSNP rs6697155, ClinGen allele CA1389912.